The following is an entry in ClinVar:

NM_000448.3(RAG1):c.*1307C>T

Gene: RAG1 (recombination activating 1; plus strand). Cytogenetic location: 11p12.
Variant type: single nucleotide variant.
Coding change: c.*1307C>T on transcript NM_000448.3 (MANE Select); 1307 bases downstream of the stop codon, C replaced by T.
Molecular consequence: 3 prime UTR variant.
Genome position (GRCh38, 1-based): chr11:36,577,743, C>T. VCF-style: chr11-36577743-C-T. GRCh37 (hg19) VCF-style: chr11-36599293-C-T.
Other names: c.*1307C>T (NM_001377277.1, NM_001377278.1, NM_001377279.1 and 1 more transcripts).
Identifiers: ClinVar variation 879331 (VCV000879331.4), dbSNP rs572674156, ClinGen allele CA220566256.

ClinVar aggregate classification (germline): Likely benign. Review status: criteria provided, single submitter (1 of 4 stars). 2 submissions from 1 submitter: Likely benign (2). Last evaluated 2018-01-13.

Conditions:
Severe combined immunodeficiency, autosomal recessive, T cell-negative, B cell-negative, NK cell-positive. Also called: Severe combined immunodeficiency due to complete RAG1/2 deficiency; SCID, AR, T-cell negative, B-cell negative, NK cell-positive; SCID, T CELL-NEGATIVE, B CELL-NEGATIVE, NK CELL-POSITIVE. Identifiers: Orphanet 331206, MedGen C1832322, MONDO:0011086, OMIM 601457.
Histiocytic medullary reticulosis. Also called: Omenn syndrome; SEVERE COMBINED IMMUNODEFICIENCY WITH HYPEREOSINOPHILIA. Identifiers: Orphanet 39041, MedGen C2700553, MONDO:0011338, OMIM 603554.

Allele frequency attached by ClinVar (database versions not stated): gnomAD 0.00042 and 0.00047; TOPMed 0.00042; 1000 Genomes Project 0.00080; 1000 Genomes Project 30x 0.00109.
gnomAD v4.1: 73 of 167,168 alleles (0.044%); highest among the groups gnomAD compares: Middle Eastern, 0.34%; 1 homozygote.

Submissions (2):

Illumina Laboratory Services, Illumina
Classification: Likely benign for Histiocytic medullary reticulosis. Last evaluated: 2018-01-13. Review status: criteria provided, single submitter. Criteria: ICSL Variant Classification Criteria 13 December 2019. Collection method: clinical testing. Allele origin: germline.
Comment: This variant was observed in the ICSL laboratory as part of a predisposition screen in an ostensibly healthy population. It had not been previously curated by ICSL or reported in the Human Gene Mutation Database (HGMD: prior to June 1st, 2018), and was therefore a candidate for classification through an automated scoring system. Utilizing variant allele frequency, disease prevalence and penetrance estimates, and inheritance mode, an automated score was calculated to assess if this variant is too frequent to cause the disease. Based on the score and internal cut-off values, a variant classified as likely benign is not then subjected to further curation. The score for this variant resulted in a classification of likely benign for this disease.

Illumina Laboratory Services, Illumina
Classification: Likely benign for Severe combined immunodeficiency, autosomal recessive, T cell-negative, B cell-negative, NK cell-positive. Last evaluated: 2018-01-13. Review status: criteria provided, single submitter. Criteria: ICSL Variant Classification Criteria 13 December 2019. Collection method: clinical testing. Allele origin: germline.
Comment: the same text as in the submission from Illumina Laboratory Services, Illumina above.